The following is an entry in ClinVar:

ClinVar aggregate classification (germline): Uncertain significance. Review status: criteria provided, multiple submitters, no conflicts (2 of 4 stars). 2 submissions from 2 submitters: Uncertain significance (2). Last evaluated 2026-02-24.

Conditions:
Hereditary cancer-predisposing syndrome. Also called: Hereditary Cancer Syndrome; Neoplastic Syndromes, Hereditary; Tumor predisposition; Hereditary neoplastic syndrome. Identifiers: Orphanet 140162, MedGen C0027672, MeSH D009386, MONDO:0015356.
Rhabdoid tumor predisposition syndrome 2 (RTPS2). Identifiers: Orphanet 231108, Orphanet 69077, MedGen C2750074, MONDO:0013224, OMIM 613325.

Submissions (2):

Ambry Genetics
Classification: Uncertain significance for Hereditary cancer-predisposing syndrome. Last evaluated: 2026-02-24. Review status: criteria provided, single submitter. Criteria: Ambry Variant Classification Scheme 2023. Collection method: clinical testing. Allele origin: germline.
Comment: The p.I759M variant (also known as c.2277C>G), located in coding exon 15 of the SMARCA4 gene, results from a C to G substitution at nucleotide position 2277. The isoleucine at codon 759 is replaced by methionine, an amino acid with highly similar properties. This amino acid position is conserved. In addition, the in silico prediction for this alteration is inconclusive. Based on the available evidence, the clinical significance of this variant remains unclear.

Labcorp Genetics (formerly Invitae), Labcorp
Classification: Uncertain significance for Rhabdoid tumor predisposition syndrome 2. Last evaluated: 2024-05-28. Review status: criteria provided, single submitter. Criteria: Invitae Variant Classification Sherloc (09022015). Collection method: clinical testing. Allele origin: germline.
Comment: This sequence change replaces isoleucine, which is neutral and non-polar, with methionine, which is neutral and non-polar, at codon 759 of the SMARCA4 protein (p.Ile759Met). This variant is not present in population databases (gnomAD no frequency). This variant has not been reported in the literature in individuals affected with SMARCA4-related conditions. An algorithm developed to predict the effect of missense changes on protein structure and function (PolyPhen-2) suggests that this variant is likely to be disruptive. In summary, the available evidence is currently insufficient to determine the role of this variant in disease. Therefore, it has been classified as a Variant of Uncertain Significance.

NM_003072.5(SMARCA4):c.2277C>G (p.Ile759Met)

Gene: SMARCA4 (SWI/SNF related BAF chromatin remodeling complex subunit ATPase 4; plus strand). Cytogenetic location: 19p13.2.
Variant type: single nucleotide variant.
Coding change: c.2277C>G on transcript NM_003072.5 (MANE Select); coding-DNA position 2277, C replaced by G.
Protein change: p.Ile759Met; replaces isoleucine 759 with methionine.
Molecular consequence: missense variant. On other transcripts: non-coding transcript variant (1).
Genome position (GRCh38, 1-based): chr19:11,012,951, C>G. VCF-style: chr19-11012951-C-G. GRCh37 (hg19) VCF-style: chr19-11123627-C-G.
Other names: c.2277C>G (NM_001128849.1); c.2277C>G, p.Ile759Met (NM_001128844.3, NM_001128845.2, NM_001128846.2 and 6 more transcripts); short protein forms I759M.
Identifiers: ClinVar variation 3630746 (VCV003630746.3).